The following is an entry in ClinVar:

NM_000057.4(BLM):c.3101C>A (p.Thr1034Lys)

Gene: BLM (BLM RecQ like helicase; plus strand). Cytogenetic location: 15q26.1.
Variant type: single nucleotide variant.
Coding change: c.3101C>A on transcript NM_000057.4 (MANE Select); coding-DNA position 3101, C replaced by A.
Protein change: p.Thr1034Lys; replaces threonine 1034 with lysine.
Molecular consequence: missense variant.
Genome position (GRCh38, 1-based): chr15:90,794,248, C>A. VCF-style: chr15-90794248-C-A. GRCh37 (hg19) VCF-style: chr15-91337478-C-A.
Other names: c.3101C>A, p.Thr1034Lys (NM_001287246.2, NM_001287247.2); c.1976C>A, p.Thr659Lys (NM_001287248.2); c.3101C>A (NM_000057.2); short protein forms T1034K, T659K.
Identifiers: ClinVar variation 967424 (VCV000967424.11), dbSNP rs753652339, ClinGen allele CA393846837.

ClinVar aggregate classification (germline): Uncertain significance. Review status: criteria provided, multiple submitters, no conflicts (2 of 4 stars). 2 submissions from 2 submitters: Uncertain significance (2). Last evaluated 2025-02-05.

Conditions:
Hereditary cancer-predisposing syndrome. Also called: Hereditary neoplastic syndrome; Neoplastic Syndromes, Hereditary; Hereditary Cancer Syndrome; Tumor predisposition. Identifiers: Orphanet 140162, MedGen C0027672, MeSH D009386, MONDO:0015356.
Bloom syndrome (BLM). Also called: Bloom-Torre-Machacek syndrome. Identifiers: Orphanet 125, MedGen C0005859, MONDO:0008876, OMIM 210900.

Submissions (2):

Ambry Genetics
Classification: Uncertain significance for Hereditary cancer-predisposing syndrome. Last evaluated: 2025-02-05. Review status: criteria provided, single submitter. Criteria: Ambry Variant Classification Scheme 2023. Collection method: clinical testing. Allele origin: germline.
Comment: The p.T1034K variant (also known as c.3101C>A), located in coding exon 15 of the BLM gene, results from a C to A substitution at nucleotide position 3101. The threonine at codon 1034 is replaced by lysine, an amino acid with similar properties. This amino acid position is conserved. In addition, this alteration is predicted to be tolerated by in silico analysis. Based on the available evidence, the clinical significance of this variant remains unclear.

Labcorp Genetics (formerly Invitae), Labcorp
Classification: Uncertain significance for Bloom syndrome. Last evaluated: 2019-11-16. Review status: criteria provided, single submitter. Criteria: Invitae Variant Classification Sherloc (09022015). Collection method: clinical testing. Allele origin: germline.
Comment: This sequence change replaces threonine with lysine at codon 1034 of the BLM protein (p.Thr1034Lys). The threonine residue is moderately conserved and there is a moderate physicochemical difference between threonine and lysine. This variant is not present in population databases (ExAC no frequency). This variant has not been reported in the literature in individuals with BLM-related conditions. In summary, the available evidence is currently insufficient to determine the role of this variant in disease. Therefore, it has been classified as a Variant of Uncertain Significance. Algorithms developed to predict the effect of sequence changes on RNA splicing suggest that this variant may create or strengthen a splice site, but this prediction has not been confirmed by published transcriptional studies. Algorithms developed to predict the effect of missense changes on protein structure and function are either unavailable or do not agree on the potential impact of this missense change (SIFT: "Deleterious"; PolyPhen-2: "Benign"; Align-GVGD: "Class C0").